The following is an entry in ClinVar:

ClinVar aggregate classification (germline): Benign (1 of 4 stars; one submission).

Submission:

CeGaT Center for Human Genetics Tuebingen
Classification: Benign. Last evaluated: 2023-09-01. Review status: criteria provided, single submitter. Criteria: CeGaT Center For Human Genetics Tuebingen Variant Classification Criteria Version 2. Collection method: clinical testing. Allele origin: germline. Affected: yes. Observed: 1 variant allele.
Comment: KCNQ1OT1: BS1, BS2

NM_000218.3(KCNQ1):c.1393+21881_1393+21891del

Genes: KCNQ1 (potassium voltage-gated channel subfamily Q member 1; plus strand), KCNQ1OT1 (KCNQ1 opposite strand/antisense transcript 1; minus strand). Cytogenetic location: 11p15.5.
Variant type: Deletion.
Coding change: c.1393+21881_1393+21891del on transcript NM_000218.3 (MANE Select); bases 21881 to 21891 of the intron after coding-DNA position 1393, 11 bases deleted (TTTTTTTTTTT).
Molecular consequence: intron variant.
Genome position (GRCh38, 1-based): chr11:2,610,735-2,610,745, TTTTTTTTTTT deleted; deleting any 11 consecutive bases within chr11:2,610,717-2,610,745 gives the same sequence; the c. name uses the placement nearest the transcript's 3' end. VCF-style (leftmost placement, unchanged base first): chr11-2610716-CTTTTTTTTTTT-C. GRCh37 (hg19) VCF-style: chr11-2631946-CTTTTTTTTTTT-C.
Other names: c.853+21881_853+21891del (NM_001406838.1); c.1012+21881_1012+21891del (NM_181798.2); c.1123+21881_1123+21891del (NM_001406837.1); c.1297+21881_1297+21891del (NM_001406836.1).
Identifiers: ClinVar variation 2582883 (VCV002582883.25), dbSNP rs1167505141, ClinGen allele CA675037203.
Genomic context (GRCh38, chr11:2,610,716, plus strand): 5'-ATGCTTTTATTTTGCCTTCTTTTTGAAAGAAACTTTTCTGGACACAGTATTCTTGGTTGG[CTTTTTTTTTTT>C]TTTTTTTTTTTTTTTTTTACTTTGAGCACTTGGGATCTGTTACCCCACTACTTTCTGGGT-3'